The following is an entry in ClinVar:

NM_000303.3(PMM2):c.521T>C (p.Ile174Thr)

Gene: PMM2 (phosphomannomutase 2; plus strand). Cytogenetic location: 16p13.2.
Variant type: single nucleotide variant.
Coding change: c.521T>C on transcript NM_000303.3 (MANE Select); coding-DNA position 521, T replaced by C.
Protein change: p.Ile174Thr; replaces isoleucine 174 with threonine.
Molecular consequence: missense variant.
Genome position (GRCh38, 1-based): chr16:8,811,711, T>C. VCF-style: chr16-8811711-T-C. GRCh37 (hg19) VCF-style: chr16-8905568-T-C.
Other names: short protein forms I174T.
Identifiers: ClinVar variation 2419724 (VCV002419724.4), dbSNP rs1288972814, ClinGen allele CA394697172.

ClinVar aggregate classification (germline): Uncertain significance (1 of 4 stars; one submission).

Conditions:
PMM2-congenital disorder of glycosylation. Also called: CDG Ia; PMM2-CDG; PHOSPHOMANNOMUTASE 2 DEFICIENCY; CARBOHYDRATE-DEFICIENT GLYCOPROTEIN SYNDROME, TYPE Ia; JAEKEN SYNDROME; Congenital disorder of glycosylation, type Ia. Identifiers: Orphanet 79318, MedGen C0349653, MONDO:0008907, OMIM 212065.

Allele frequency attached by ClinVar (database versions not stated): gnomAD exomes below 0.00001; TOPMed 0.00001.
gnomAD v4.1: 1 of 1,602,502 alleles (0.000062%); highest among the groups gnomAD compares: Non-Finnish European, 0.000086%; no homozygotes.

Submission:

Labcorp Genetics (formerly Invitae), Labcorp
Classification: Uncertain significance for PMM2-congenital disorder of glycosylation. Last evaluated: 2024-02-05. Review status: criteria provided, single submitter. Criteria: Invitae Variant Classification Sherloc (09022015). Collection method: clinical testing. Allele origin: germline.
Comment: This sequence change replaces isoleucine, which is neutral and non-polar, with threonine, which is neutral and polar, at codon 174 of the PMM2 protein (p.Ile174Thr). This variant is not present in population databases (gnomAD no frequency). This variant has not been reported in the literature in individuals affected with PMM2-related conditions. ClinVar contains an entry for this variant (Variation ID: 2419724). An algorithm developed to predict the effect of missense changes on protein structure and function (PolyPhen-2) suggests that this variant is likely to be disruptive. In summary, the available evidence is currently insufficient to determine the role of this variant in disease. Therefore, it has been classified as a Variant of Uncertain Significance.